The following is an entry in ClinVar:

ClinVar aggregate classification (germline): Pathogenic (1 of 4 stars; one submission).

Allele frequency attached by ClinVar (database versions not stated): gnomAD exomes below 0.00001 and 0.00002.

Submission:

ARUP Laboratories, Molecular Genetics and Genomics, ARUP Laboratories
Classification: Pathogenic. Last evaluated: 2018-04-11. Review status: criteria provided, single submitter. Criteria: ARUP Molecular Germline Variant Investigation Process. Collection method: clinical testing. Allele origin: germline.
Comment: The p.Met1? variant has not been reported in the medical literature, gene specific variation databases including ClinVar, nor has it been previously identified by our laboratory. The c.1A>C variant is predicted to cause a start-loss of the GUSB gene due to a change of the methionine initiation codon. Pathogenic GUSB variants have been associated with autosomal recessive mucopolysaccharidosis VII (MIM:253220).

NM_000181.4(GUSB):c.1A>C (p.Met1Leu)

Gene: GUSB (glucuronidase beta; minus strand). Cytogenetic location: 7q11.21.
Variant type: single nucleotide variant.
Coding change: c.1A>C on transcript NM_000181.4 (MANE Select); coding-DNA position 1, A replaced by C.
Protein change: p.Met1Leu; changes the start codon (methionine 1).
Molecular consequence: missense variant, initiator codon variant. On other transcripts: 5 prime UTR variant (2), non-coding transcript variant (1).
Genome position (GRCh38, 1-based): chr7:65,982,183, T>G on the plus strand (A>C on the coding strand, the complement: GUSB is on the minus strand). VCF-style: chr7-65982183-T-G. GRCh37 (hg19) VCF-style: chr7-65447170-T-G.
Other names: c.1A>C, p.Met1Leu (NM_001284290.2); c.-385A>C (NM_001293104.2); c.-329A>C (NM_001293105.2); short protein forms M1L.
Identifiers: ClinVar variation 618670 (VCV000618670.9), dbSNP rs1382654122, ClinGen allele CA367655820.
Genomic context (GRCh38, chr7:65,982,183, plus strand): 5'-GCGCGCAGCCCCACAACAACGGCCCGAGCGCCGCCCAGGCAACCGCCGACCCCCGGGCCA[T>G]GCTTCCCGGTCCCCCGCTCGGCCACCGTCTGCGGCGCTAAGAAAAGCGCGGGAGGTGCCC-3'
Protein context (NP_000172.2, residues 1-11): [Met1Leu]ARGSAVAWAA